The following is an entry in ClinVar:

NM_023110.3(FGFR1):c.169C>A (p.Leu57Met)

Gene: FGFR1 (fibroblast growth factor receptor 1; minus strand). Cytogenetic location: 8p11.23.
Variant type: single nucleotide variant.
Coding change: c.169C>A on transcript NM_023110.3 (MANE Select); coding-DNA position 169, C replaced by A.
Protein change: p.Leu57Met; replaces leucine 57 with methionine.
Molecular consequence: missense variant. On other transcripts: intron variant (5).
Genome position (GRCh38, 1-based): chr8:38,429,871, G>T on the plus strand (C>A on the coding strand, the complement: FGFR1 is on the minus strand). VCF-style: chr8-38429871-G-T. GRCh37 (hg19) VCF-style: chr8-38287389-G-T.
Other names: c.145C>A, p.Leu49Met (NM_001174064.2); c.169C>A, p.Leu57Met (NM_001174065.2, NM_001354367.2, NM_001354369.2 and 2 more transcripts); c.268C>A, p.Leu90Met (NM_001174067.2); c.92-1436C>A (NM_001354368.2, NM_001354370.2, NM_023106.3 and 2 more transcripts); short protein forms L49M, L57M, L90M.
Identifiers: ClinVar variation 1352087 (VCV001352087.10), dbSNP rs1301127877, ClinGen allele CA370736511.

ClinVar aggregate classification (germline): Conflicting classifications of pathogenicity. Review status: criteria provided, conflicting classifications (1 of 4 stars). 3 submissions from 3 submitters: Uncertain significance (2); Likely benign (1). Last evaluated 2024-05-08.

Conditions:
Pfeiffer syndrome (ACS5). Also called: ACS V. Identifiers: Orphanet 710, MedGen C0220658, MONDO:0007043, OMIM 101600.
Hypogonadotropic hypogonadism 2 with or without anosmia (HH2). Also called: HYPOGONADOTROPIC HYPOGONADISM 2 WITHOUT ANOSMIA; HYPOGONADOTROPIC HYPOGONADISM 2 WITH OR WITHOUT ANOSMIA, SUSCEPTIBILITY TO; HYPOGONADOTROPIC HYPOGONADISM 2 WITHOUT ANOSMIA, SUSCEPTIBILITY TO; FGFR1-Related GnRH Deficiency (Kallmann Syndrome 2). Identifiers: Orphanet 478, MedGen C1563720, MONDO:0007844, OMIM 147950. Disease mechanism: loss of function.
Trigonocephaly 1 (TRIGNO1). Identifiers: Orphanet 3366, MedGen C0432122, MONDO:0008603, OMIM 190440.
Osteoglophonic dysplasia (OGD). Also called: Osteoglophonic dwarfism. Identifiers: Orphanet 2645, MedGen C0432283, MONDO:0008150, OMIM 166250.
Jackson-Weiss syndrome (JWS). Also called: CRANIOSYNOSTOSIS, MIDFACIAL HYPOPLASIA, AND FOOT ABNORMALITIES. Identifiers: Orphanet 1540, MedGen C0795998, MONDO:0007400, OMIM 123150. Disease mechanism: loss of function.
Hartsfield-Bixler-Demyer syndrome (HRTFDS). Also called: Holoprosencephaly, ectrodactyly, and bilateral cleft lip/palate; FGFR1-Related Hartsfield Syndrome; Hartsfield syndrome. Identifiers: Orphanet 2117, MedGen C1845146, MONDO:0014196, OMIM 615465. Disease mechanism: loss of function.
Encephalocraniocutaneous lipomatosis (ECCL). Identifiers: Orphanet 2396, MedGen C0406612, MONDO:0013074, OMIM 613001.

Allele frequency attached by ClinVar (database versions not stated): gnomAD exomes 0.00002; TOPMed 0.00002; gnomAD 0.00003.
gnomAD v4.1: 36 of 1,613,924 alleles (0.0022%); highest among the groups gnomAD compares: Non-Finnish European, 0.0027%; no homozygotes.

Submissions (3):

Clinical Genomics Laboratory, Washington University in St. Louis
Classification: Uncertain significance for Pfeiffer syndrome. Last evaluated: 2024-05-08. Review status: criteria provided, single submitter. Criteria: ACMG Guidelines, 2015. Collection method: clinical testing. Allele origin: germline.
Comment: The FGFR1 c.169C>A (p.Leu57Met) variant was identified at a heterozygous allelic fraction of 51.3%, a frequency which may be consistent with it being of germline origin. This variant, to our knowledge, has not been reported in the medical literature and it is observed on 36/1,613,924 alleles in the general population (gnomAD v.4.1.0). This variant has been reported in the ClinVar database as a germline variant of uncertain significance by one submitter (ClinVar ID: 1352087). Computational predictors are uncertain as to the impact of this variant on FGFR1 function. Due to limited information, and based on ACMG/AMP guidelines for variant interpretation (Richards S et al., PMID: 25741868), the clinical significance of this variant is uncertain at this time.

Fulgent Genetics
Classification: Likely benign for Pfeiffer syndrome; Jackson-Weiss syndrome; Hypogonadotropic hypogonadism 2 with or without anosmia; Osteoglophonic dysplasia; Trigonocephaly 1; Encephalocraniocutaneous lipomatosis; Hartsfield-Bixler-Demyer syndrome. Last evaluated: 2024-04-18. Review status: criteria provided, single submitter. Criteria: ACMG Guidelines, 2015. Collection method: clinical testing. Allele origin: germline.

Labcorp Genetics (formerly Invitae), Labcorp
Classification: Uncertain significance for Pfeiffer syndrome; Hypogonadotropic hypogonadism 2 with or without anosmia. Last evaluated: 2022-05-24. Review status: criteria provided, single submitter. Criteria: Invitae Variant Classification Sherloc (09022015). Collection method: clinical testing. Allele origin: germline.
Comment: Algorithms developed to predict the effect of missense changes on protein structure and function are either unavailable or do not agree on the potential impact of this missense change (SIFT: "Tolerated"; PolyPhen-2: "Possibly Damaging"; Align-GVGD: "Class C0"). This sequence change replaces leucine, which is neutral and non-polar, with methionine, which is neutral and non-polar, at codon 57 of the FGFR1 protein (p.Leu57Met). This variant is not present in population databases (gnomAD no frequency). This variant has not been reported in the literature in individuals affected with FGFR1-related conditions. In summary, the available evidence is currently insufficient to determine the role of this variant in disease. Therefore, it has been classified as a Variant of Uncertain Significance.